The following is an entry in ClinVar:

NM_144643.4(SCLT1):c.1439+5G>T

Gene: SCLT1 (sodium channel and clathrin linker 1; minus strand). Cytogenetic location: 4q28.2.
Variant type: single nucleotide variant.
Coding change: c.1439+5G>T on transcript NM_144643.4 (MANE Select); 5 bases into the intron after coding-DNA position 1439, G replaced by T.
Molecular consequence: intron variant.
Genome position (GRCh38, 1-based): chr4:128,946,002, C>A on the plus strand (G>T on the coding strand, the complement: SCLT1 is on the minus strand). VCF-style: chr4-128946002-C-A. GRCh37 (hg19) VCF-style: chr4-129867157-C-A.
Other names: c.1439+5G>T (NM_001410807.1).
Identifiers: ClinVar variation 4526654 (VCV004526654.1).
Genomic context (GRCh38, chr4:128,946,002, plus strand): 5'-GAATCTGTCAAAAATTGTGTGAATTCTGAAGATGTTATCATAGAAAATCCAAAAGAAAAA[C>A]TTACTCAGTTTCAAGTTGTTTTATTCTATTTTCTGCTCTCGTAAGTCTTAGCTGAAGATC-3'

ClinVar aggregate classification (germline): Likely pathogenic (1 of 4 stars; one submission).

Conditions:
Retinal dystrophy. Also called: Inherited retinal dystrophy. Identifiers: Orphanet 71862, MedGen C0854723, MeSH D058499, MONDO:0019118, HP:0000556.

gnomAD v4.1: 1 of 1,588,266 alleles (0.000063%); highest among the groups gnomAD compares: Non-Finnish European, 0.000086%; no homozygotes.

Submission:

Ocular Genomics Institute, Massachusetts Eye and Ear
Classification: Likely pathogenic for Retinal dystrophy. Last evaluated: 2025-06-06. Review status: criteria provided, single submitter. Criteria: ACMG Guidelines, 2015. Collection method: research, in vitro. Allele origin: germline, not applicable. Affected: yes. Observed: 2 variant alleles. Functional consequence: splicing variant.
Comment: The NM_144643.4 c.1439+5G>T is a non-canonical splicing variant in SCLT1. Functional studies performed by our group confirmed the partial skipping of exon 16 for this variant, likely leading to an absent or disrupted protein product (PS3). This variant was found for the first time in two siblings with non-syndromic retinal degeneration. This variant is rare in GnomADv4 (PM2), it cosegregates with disease in multiple affected family members in a gene known to cause disease (PP1). The variant is located in a well-established functional domain (PM1).